The following is an entry in ClinVar:

NM_021098.3(CACNA1H):c.2946C>G (p.Asn982Lys)

Gene: CACNA1H (calcium voltage-gated channel subunit alpha1 H; plus strand). Cytogenetic location: 16p13.3.
Variant type: single nucleotide variant.
Coding change: c.2946C>G on transcript NM_021098.3 (MANE Select); coding-DNA position 2946, C replaced by G.
Protein change: p.Asn982Lys; replaces asparagine 982 with lysine.
Molecular consequence: missense variant.
Genome position (GRCh38, 1-based): chr16:1,207,313, C>G. VCF-style: chr16-1207313-C-G. GRCh37 (hg19) VCF-style: chr16-1257313-C-G.
Other names: c.2946C>G, p.Asn982Lys (NM_001005407.2); short protein forms N982K.
Identifiers: ClinVar variation 2930146 (VCV002930146.3), dbSNP rs368824465, ClinGen allele CA7800524.

ClinVar aggregate classification (germline): Uncertain significance (1 of 4 stars; one submission).

Conditions:
Idiopathic generalized epilepsy. Also called: EIG; Generalised epilepsy. Identifiers: MedGen C0270850, MONDO:0005579, OMIM 600669.
Hyperaldosteronism, familial, type IV (HALD4). Also called: FH IV; ALDOSTERONISM, PRIMARY, AND HYPERTENSION. Identifiers: Orphanet 642671, MedGen C4310756, MONDO:0014875, OMIM 617027.

gnomAD v4.1: 10 of 1,610,748 alleles (0.00062%); highest among the groups gnomAD compares: Non-Finnish European, 0.00085%; no homozygotes.

Submission:

Labcorp Genetics (formerly Invitae), Labcorp
Classification: Uncertain significance for Idiopathic generalized epilepsy; Hyperaldosteronism, familial, type IV. Last evaluated: 2022-11-17. Review status: criteria provided, single submitter. Criteria: Invitae Variant Classification Sherloc (09022015). Collection method: clinical testing. Allele origin: germline.
Comment: In summary, the available evidence is currently insufficient to determine the role of this variant in disease. Therefore, it has been classified as a Variant of Uncertain Significance. This sequence change replaces asparagine, which is neutral and polar, with lysine, which is basic and polar, at codon 982 of the CACNA1H protein (p.Asn982Lys). Advanced modeling of protein sequence and biophysical properties (such as structural, functional, and spatial information, amino acid conservation, physicochemical variation, residue mobility, and thermodynamic stability) performed at Invitae indicates that this missense variant is expected to disrupt CACNA1H protein function. This variant has not been reported in the literature in individuals affected with CACNA1H-related conditions. This variant is present in population databases (rs368824465, gnomAD 0.003%).